The following is an entry in ClinVar:

NM_000138.5(FBN1):c.2962dup (p.Trp988fs)

Gene: FBN1 (fibrillin 1; minus strand). Cytogenetic location: 15q21.1.
Variant type: Duplication.
Coding change: c.2962dup on transcript NM_000138.5 (MANE Select); coding-DNA position 2962, one base duplicated (T; older notation c.2962dupT).
Protein change: p.Trp988fs; shifts the reading frame from tryptophan 988.
Molecular consequence: frameshift variant.
Genome position (GRCh38, 1-based): chr15:48,489,971, A duplicated on the plus strand (T on the coding strand, the reverse complement: FBN1 is on the minus strand). VCF-style (leftmost placement, unchanged base first): chr15-48489970-C-CA. GRCh37 (hg19) VCF-style: chr15-48782167-C-CA.
Other names: c.2962dup, p.Trp988fs (NM_001406716.1); short protein forms W988fs.
Identifiers: ClinVar variation 2922124 (VCV002922124.3), dbSNP rs2505558188, ClinGen allele CA2740096650.

ClinVar aggregate classification (germline): Pathogenic (1 of 4 stars; one submission).

Conditions:
Marfan syndrome (MFS). Also called: MARFAN SYNDROME, TYPE I; Marfan syndrome type 1; Marfan's syndrome; Marfan syndrome, classic; FBN1-Related Marfan Syndrome. Identifiers: Orphanet 284963, Orphanet 558, MedGen C0024796, MONDO:0007947, OMIM 154700.
Familial thoracic aortic aneurysm and aortic dissection (TAAD). Also called: Thoracic aortic aneurysms and dissections. Identifiers: Orphanet 91387, MedGen C4707243, MONDO:0019625.

Submission:

Labcorp Genetics (formerly Invitae), Labcorp
Classification: Pathogenic for Marfan syndrome; Familial thoracic aortic aneurysm and aortic dissection. Last evaluated: 2024-01-11. Review status: criteria provided, single submitter. Criteria: Invitae Variant Classification Sherloc (09022015). Collection method: clinical testing. Allele origin: germline.
Comment: This sequence change creates a premature translational stop signal (p.Trp988Leufs*4) in the FBN1 gene. It is expected to result in an absent or disrupted protein product. Loss-of-function variants in FBN1 are known to be pathogenic (PMID: 17657824, 19293843). This variant is not present in population databases (gnomAD no frequency). This variant has not been reported in the literature in individuals affected with FBN1-related conditions. For these reasons, this variant has been classified as Pathogenic.

Literature cited by the submitters: PubMed 17657824; PubMed 19293843.